The following is an entry in ClinVar:

NM_004415.4(DSP):c.497C>T (p.Ser166Phe)

Gene: DSP (desmoplakin; plus strand). Cytogenetic location: 6p24.3.
Variant type: single nucleotide variant.
Coding change: c.497C>T on transcript NM_004415.4 (MANE Select); coding-DNA position 497, C replaced by T.
Protein change: p.Ser166Phe; replaces serine 166 with phenylalanine.
Molecular consequence: missense variant.
Genome position (GRCh38, 1-based): chr6:7,559,300, C>T. VCF-style: chr6-7559300-C-T. GRCh37 (hg19) VCF-style: chr6-7559533-C-T.
Other names: c.497C>T (LRG_423t1); c.497C>T, p.Ser166Phe (NM_001008844.3, NM_001319034.2); short protein forms S166F.
Identifiers: ClinVar variation 405250 (VCV000405250.10), dbSNP rs1060500620, ClinGen allele CA16612189.

ClinVar aggregate classification (germline): Uncertain significance. Review status: criteria provided, multiple submitters, no conflicts (2 of 4 stars). 2 submissions from 2 submitters: Uncertain significance (2). Last evaluated 2023-03-28.

Conditions:
Arrhythmogenic cardiomyopathy with wooly hair and keratoderma. Also called: PALMOPLANTAR KERATODERMA WITH LEFT VENTRICULAR CARDIOMYOPATHY AND WOOLLY HAIR; Carvajal syndrome; Dilated cardiomyopathy with woolly hair and keratoderma; Arrhythmogenic cardiomyopathy with woolly hair and keratoderma. Identifiers: Orphanet 65282, MedGen C1854063, MONDO:0011581, OMIM 605676.
Arrhythmogenic right ventricular dysplasia 8 (ARVD8). Also called: Arrhythmogenic Right Ventricular Dysplasia/Cardiomyopathy 8; ARRHYTHMOGENIC RIGHT VENTRICULAR DYSPLASIA, FAMILIAL, 8; ARRHYTHMOGENIC RIGHT VENTRICULAR CARDIOMYOPATHY 8. Identifiers: MedGen C1843896, MONDO:0011831, OMIM 607450.

Allele frequency attached by ClinVar (database versions not stated): gnomAD exomes below 0.00001.
gnomAD v4.1: 1 of 1,613,956 alleles (0.000062%); highest among the groups gnomAD compares: Non-Finnish European, 0.000085%; no homozygotes.

Submissions (2):

All of Us Research Program, National Institutes of Health
Classification: Uncertain significance for Arrhythmogenic cardiomyopathy with wooly hair and keratoderma. Last evaluated: 2023-03-28. Review status: criteria provided, single submitter. Criteria: ACMG Guidelines, 2015. Collection method: clinical testing. Allele origin: germline. Inheritance: Autosomal dominant inheritance. Observed: 1 variant allele, 1 heterozygote.
Comment: This study involves interpretation of variants in research participants for the purpose of population health screening. Participant phenotype was not available at the time of variant classification. Additional details can be found in publication PMID: 35346344, PMCID: PMC8962531

Labcorp Genetics (formerly Invitae), Labcorp
Classification: Uncertain significance for Arrhythmogenic cardiomyopathy with wooly hair and keratoderma; Arrhythmogenic right ventricular dysplasia 8. Last evaluated: 2016-11-26. Review status: criteria provided, single submitter. Criteria: Invitae Variant Classification Sherloc (09022015). Collection method: clinical testing. Allele origin: germline.
Comment: This variant is not present in population databases (ExAC no frequency) and has not been reported in the literature in individuals with a DSP-related disease. In summary, this variant is a novel missense change with uncertain impact on protein function. It has been classified as a Variant of Uncertain Significance. Algorithms developed to predict the effect of missense changes on protein structure and function do not agree on the potential impact of this missense change (SIFT: "Deleterious"; PolyPhen-2: "Probably Damaging"; Align-GVGD: "Class C0"). This sequence change replaces serine with phenylalanine at codon 166 of the DSP protein (p.Ser166Phe). The serine residue is moderately conserved and there is a large physicochemical difference between serine and phenylalanine.